The following is an entry in ClinVar:

ClinVar aggregate classification (germline): Conflicting classifications of pathogenicity. Review status: criteria provided, conflicting classifications (1 of 4 stars). 4 submissions from 4 submitters: Uncertain significance (3); Likely benign (1). Last evaluated 2025-11-25.

Conditions:
Inborn genetic diseases. Identifiers: MedGen C0950123, MeSH D030342.
TCOF1-related disorder. Also called: TCOF1-related condition.
Treacher Collins syndrome 1 (TCS1). Also called: TCOF1-Related Treacher Collins Syndrome. Identifiers: Orphanet 861, MedGen CN315775, MONDO:0007944, OMIM 154500.

Allele frequency attached by ClinVar (database versions not stated): ExAC 0.00004; gnomAD exomes 0.00006; gnomAD 0.00007; TOPMed 0.00007; ESP Exome Variant Server 0.00023.
gnomAD v4.1: 94 of 1,613,388 alleles (0.0058%); highest among the groups gnomAD compares: Non-Finnish European, 0.0079%; no homozygotes.

Submissions (4):

Labcorp Genetics (formerly Invitae), Labcorp
Classification: Uncertain significance for Treacher Collins syndrome 1. Last evaluated: 2025-11-25. Review status: criteria provided, single submitter. Criteria: Invitae Variant Classification Sherloc (09022015). Collection method: clinical testing. Allele origin: germline.
Comment: This sequence change replaces glutamine, which is neutral and polar, with glutamic acid, which is acidic and polar, at codon 370 of the TCOF1 protein (p.Gln370Glu). This variant is present in population databases (rs367576572, gnomAD 0.009%). This variant has not been reported in the literature in individuals affected with TCOF1-related conditions. ClinVar contains an entry for this variant (Variation ID: 2798139). Invitae Evidence Modeling of protein sequence and biophysical properties (such as structural, functional, and spatial information, amino acid conservation, physicochemical variation, residue mobility, and thermodynamic stability) indicates that this missense variant is not expected to disrupt TCOF1 protein function with a negative predictive value of 80%. In summary, the available evidence is currently insufficient to determine the role of this variant in disease. Therefore, it has been classified as a Variant of Uncertain Significance.

PreventionGenetics, part of Exact Sciences
Classification: Uncertain significance for TCOF1-related condition. Last evaluated: 2025-11-11. Review status: criteria provided, single submitter. Criteria: ACMG Guidelines, 2015. Collection method: clinical testing. Allele origin: germline.
Comment: The TCOF1 c.1108C>G variant is predicted to result in the amino acid substitution p.Gln370Glu. To our knowledge, this variant has not been reported in the literature. This variant is reported in 0.0079% of alleles in individuals of European (Non-Finnish) descent in gnomAD. At this time, the clinical significance of this variant is uncertain due to the absence of conclusive functional and genetic evidence.

Laboratory of Genetics, Children's Clinical University Hospital Latvia
Classification: Likely benign. Last evaluated: 2025-02-16. Review status: criteria provided, single submitter. Criteria: ACMG Guidelines, 2015. Collection method: clinical testing. Allele origin: germline. Affected: yes.

Ambry Genetics
Classification: Uncertain significance for Inborn genetic diseases. Last evaluated: 2024-02-28. Review status: criteria provided, single submitter. Criteria: Ambry Variant Classification Scheme 2023. Collection method: clinical testing. Allele origin: germline.

NM_001371623.1(TCOF1):c.1108C>G (p.Gln370Glu)

Gene: TCOF1 (treacle ribosome biogenesis factor 1; plus strand). Cytogenetic location: 5q32.
Variant type: single nucleotide variant.
Coding change: c.1108C>G on transcript NM_001371623.1 (MANE Select); coding-DNA position 1108, C replaced by G.
Protein change: p.Gln370Glu; replaces glutamine 370 with glutamic acid.
Molecular consequence: missense variant.
Genome position (GRCh38, 1-based): chr5:150,374,641, C>G. VCF-style: chr5-150374641-C-G. GRCh37 (hg19) VCF-style: chr5-149754204-C-G.
Other names: c.1108C>G (NM_001135243.1); c.877C>G, p.Gln293Glu (NM_000356.4, NM_001135245.2); c.1108C>G, p.Gln370Glu (NM_001008657.3, NM_001135243.2, NM_001135244.2 and 1 more transcripts); short protein forms Q370E, Q293E.
Identifiers: ClinVar variation 2798139 (VCV002798139.6), dbSNP rs367576572, ClinGen allele CA3510760.